The following is an entry in ClinVar:

ClinVar aggregate classification (germline): Pathogenic (1 of 4 stars; one submission).

Conditions:
Hereditary cancer-predisposing syndrome. Also called: Tumor predisposition; Neoplastic Syndromes, Hereditary; Hereditary neoplastic syndrome; Hereditary Cancer Syndrome. Identifiers: Orphanet 140162, MedGen C0027672, MeSH D009386, MONDO:0015356.

Submission:

Ambry Genetics
Classification: Pathogenic for Hereditary cancer-predisposing syndrome. Last evaluated: 2024-07-19. Review status: criteria provided, single submitter. Criteria: Ambry Variant Classification Scheme 2023. Collection method: clinical testing. Allele origin: germline.
Comment: The p.Y454* pathogenic mutation (also known as c.1362T>G), located in coding exon 9 of the ATM gene, results from a T to G substitution at nucleotide position 1362. This changes the amino acid from a tyrosine to a stop codon within coding exon 9. This variant is considered to be rare based on population cohorts in the Genome Aggregation Database (gnomAD). This alteration is expected to result in loss of function by premature protein truncation or nonsense-mediated mRNA decay. As such, this alteration is interpreted as a disease-causing mutation.

NM_000051.4(ATM):c.1362T>G (p.Tyr454Ter)

Gene: ATM (ATM serine/threonine kinase; plus strand). Cytogenetic location: 11q22.3.
Variant type: single nucleotide variant.
Coding change: c.1362T>G on transcript NM_000051.4 (MANE Select); coding-DNA position 1362, T replaced by G.
Protein change: p.Tyr454Ter; replaces tyrosine 454 with a stop codon.
Molecular consequence: nonsense.
Genome position (GRCh38, 1-based): chr11:108,250,827, T>G. VCF-style: chr11-108250827-T-G. GRCh37 (hg19) VCF-style: chr11-108121554-T-G.
Other names: c.1362T>G, p.Tyr454Ter (NM_001351834.2); short protein forms Y454*.
Identifiers: ClinVar variation 3450050 (VCV003450050.1).